The following is an entry in ClinVar:

ClinVar aggregate classification (germline): Uncertain significance. Review status: criteria provided, multiple submitters, no conflicts (2 of 4 stars). 2 submissions from 2 submitters: Uncertain significance (2). Last evaluated 2024-07-24.

Conditions:
Hereditary cancer-predisposing syndrome. Also called: Hereditary Cancer Syndrome; Tumor predisposition; Hereditary neoplastic syndrome; Neoplastic Syndromes, Hereditary. Identifiers: Orphanet 140162, MedGen C0027672, MeSH D009386, MONDO:0015356.
Breast-ovarian cancer, familial, susceptibility to, 4. Identifiers: Orphanet 145, MedGen C3280345, MONDO:0013669, OMIM 614291.

Submissions (2):

Labcorp Genetics (formerly Invitae), Labcorp
Classification: Uncertain significance for Breast-ovarian cancer, familial, susceptibility to, 4. Last evaluated: 2024-07-24. Review status: criteria provided, single submitter. Criteria: Invitae Variant Classification Sherloc (09022015). Collection method: clinical testing. Allele origin: germline.
Comment: This sequence change replaces isoleucine, which is neutral and non-polar, with valine, which is neutral and non-polar, at codon 175 of the RAD51D protein (p.Ile175Val). This variant is not present in population databases (gnomAD no frequency). This variant has not been reported in the literature in individuals affected with RAD51D-related conditions. ClinVar contains an entry for this variant (Variation ID: 646627). Advanced modeling of protein sequence and biophysical properties (such as structural, functional, and spatial information, amino acid conservation, physicochemical variation, residue mobility, and thermodynamic stability) performed at Invitae indicates that this missense variant is not expected to disrupt RAD51D protein function with a negative predictive value of 80%. In summary, the available evidence is currently insufficient to determine the role of this variant in disease. Therefore, it has been classified as a Variant of Uncertain Significance.

Ambry Genetics
Classification: Uncertain significance for Hereditary cancer-predisposing syndrome. Last evaluated: 2022-07-29. Review status: criteria provided, single submitter. Criteria: Ambry Variant Classification Scheme 2023. Collection method: clinical testing. Allele origin: germline.
Comment: The p.I175V variant (also known as c.523A>G), located in coding exon 6 of the RAD51D gene, results from an A to G substitution at nucleotide position 523. The isoleucine at codon 175 is replaced by valine, an amino acid with highly similar properties. This amino acid position is conserved. In addition, the in silico prediction for this alteration is inconclusive. Since supporting evidence is limited at this time, the clinical significance of this alteration remains unclear.

NM_002878.4(RAD51D):c.523A>G (p.Ile175Val)

Genes: RAD51D (RAD51 paralog D; minus strand), RAD51L3-RFFL (RAD51L3-RFFL readthrough; minus strand). Cytogenetic location: 17q12.
Variant type: single nucleotide variant.
Coding change: c.523A>G on transcript NM_002878.4 (MANE Select); coding-DNA position 523, A replaced by G.
Protein change: p.Ile175Val; replaces isoleucine 175 with valine.
Molecular consequence: missense variant. On other transcripts: non-coding transcript variant (3).
Genome position (GRCh38, 1-based): chr17:35,106,439, T>C on the plus strand (A>G on the coding strand, the complement: RAD51D is on the minus strand). VCF-style: chr17-35106439-T-C. GRCh37 (hg19) VCF-style: chr17-33433458-T-C.
Other names: c.583A>G, p.Ile195Val (NM_001142571.2); c.187A>G, p.Ile63Val (NM_133629.3); short protein forms I63V, I175V, I195V.
Identifiers: ClinVar variation 646627 (VCV000646627.10), dbSNP rs1314057673, ClinGen allele CA399088822.